The following is an entry in ClinVar:

NM_001197104.2(KMT2A):c.2041C>T (p.Pro681Ser)

Gene: KMT2A (lysine methyltransferase 2A; plus strand). Cytogenetic location: 11q23.3.
Variant type: single nucleotide variant.
Coding change: c.2041C>T on transcript NM_001197104.2 (MANE Select); coding-DNA position 2041, C replaced by T.
Protein change: p.Pro681Ser; replaces proline 681 with serine.
Molecular consequence: missense variant.
Genome position (GRCh38, 1-based): chr11:118,473,200, C>T. VCF-style: chr11-118473200-C-T. GRCh37 (hg19) VCF-style: chr11-118343915-C-T.
Other names: c.2140C>T, p.Pro714Ser (NM_001412597.1); c.2041C>T, p.Pro681Ser (NM_005933.4); short protein forms P681S, P714S.
Identifiers: ClinVar variation 2961091 (VCV002961091.3), dbSNP rs1555036305, ClinGen allele CA382812187.

ClinVar aggregate classification (germline): Uncertain significance (1 of 4 stars; one submission).

gnomAD v4.1: 1 of 1,613,420 alleles (0.000062%); highest among the groups gnomAD compares: Middle Eastern, 0.017%; no homozygotes.

Submission:

Labcorp Genetics (formerly Invitae), Labcorp
Classification: Uncertain significance. Last evaluated: 2022-11-10. Review status: criteria provided, single submitter. Criteria: Invitae Variant Classification Sherloc (09022015). Collection method: clinical testing. Allele origin: germline.
Comment: This sequence change replaces proline, which is neutral and non-polar, with serine, which is neutral and polar, at codon 681 of the KMT2A protein (p.Pro681Ser). This variant is not present in population databases (gnomAD no frequency). This variant has not been reported in the literature in individuals affected with KMT2A-related conditions. Algorithms developed to predict the effect of missense changes on protein structure and function (SIFT, PolyPhen-2, Align-GVGD) all suggest that this variant is likely to be tolerated. In summary, the available evidence is currently insufficient to determine the role of this variant in disease. Therefore, it has been classified as a Variant of Uncertain Significance.